The following is an entry in ClinVar:

NM_003737.4(DCHS1):c.7731T>C (p.Arg2577=)

Gene: DCHS1 (dachsous cadherin-related 1; minus strand). Cytogenetic location: 11p15.4.
Variant type: single nucleotide variant.
Coding change: c.7731T>C on transcript NM_003737.4 (MANE Select); coding-DNA position 7731, T replaced by C.
Protein change: p.Arg2577=; no amino-acid change (arginine 2577 retained).
Molecular consequence: synonymous variant.
Genome position (GRCh38, 1-based): chr11:6,623,945, A>G on the plus strand (T>C on the coding strand, the complement: DCHS1 is on the minus strand). VCF-style: chr11-6623945-A-G. GRCh37 (hg19) VCF-style: chr11-6645176-A-G.
Identifiers: ClinVar variation 4874011 (VCV004874011.2).

ClinVar aggregate classification (germline): Likely benign (1 of 4 stars; one submission).

Submission:

CeGaT Center for Human Genetics Tuebingen
Classification: Likely benign. Last evaluated: 2026-06-01. Review status: criteria provided, single submitter. Criteria: CeGaT Center For Human Genetics Tuebingen Variant Classification Criteria Version 2. Collection method: clinical testing. Allele origin: germline. Affected: yes. Observed: 1 variant allele.
Comment: DCHS1: PM2:Supporting, BP4, BP7